The following continues an entry in ClinVar:

NM_007194.4(CHEK2):c.442A>G (p.Arg148Gly)

Gene: CHEK2. ClinVar aggregate classification (germline): Uncertain significance. Uncertain significance (12).

Submissions 10 to 12 of 12:

Women's Health and Genetics/Laboratory Corporation of America, LabCorp
Classification: Uncertain significance. Last evaluated: 2021-12-13. Review status: criteria provided, single submitter. Criteria: LabCorp Variant Classification Summary - May 2015. Collection method: clinical testing. Allele origin: germline.
Comment: Variant summary: CHEK2 c.442A>G (p.Arg148Gly) results in a non-conservative amino acid change located in the Forkhead-associated (FHA) domain (IPR000253) of the encoded protein sequence. Five of five in-silico tools predict a damaging effect of the variant on protein function. 4/4 computational tools predict no significant impact on normal splicing. However, these predictions have yet to be confirmed by functional studies. The variant was absent in 251274 control chromosomes (gnomAD). c.442A>G has been reported in the literature in individuals with a personal and/or family history of Hereditary Breast And Ovarian Cancer Syndrome (examples: Tsaousis_2019, Weitzel_2019 and Apostolou_2021). These reports do not provide unequivocal conclusions about association of the variant with Hereditary Breast And Ovarian Cancer Syndrome. Experimental evidence evaluating an impact on protein function through utilization of a yeast-based growth assay demonstrated the variant to be damaging (Delimitsou_2019). Four ClinVar submitters (evaluation after 2014) cite the variant as uncertain significance. Based on the evidence outlined above, the variant was classified as VUS-possibly pathogenic until additional evidence of clinical and/or functional importance becomes available.

Sema4
Classification: Uncertain significance for Hereditary cancer-predisposing syndrome. Last evaluated: 2021-05-06. Review status: criteria provided, single submitter. Criteria: Sema4 Curation Guidelines. Collection method: curation. Allele origin: germline.
Comment: The CHEK2 c.442A>G (p.R148G) variant has been reported in at least one individual with breast cancer, as well as in two other individuals with a personal/family history suggestive of a hereditary cancer condition (PMID: 33925588, 31159747, 25318351). It has also been identified in a healthy control population (PMID: 33471991). It was not observed the large and broad cohorts of the Genome Aggregation Database. The variant has been reported in ClinVar (Variation ID 233550). In silico tools suggest the impact of the variant on protein function is deleterious, and yeast-based assays have suggested a damaging effect on the protein. The evidence is insufficient to meet ACMG/AMP criteria for classifying the variant as benign or pathogenic. Thus, the clinical significance of this variant is currently uncertain.

GeneKor MSA
Classification: Uncertain significance for Hereditary cancer-predisposing syndrome. Last evaluated: 2018-08-01. Review status: criteria provided, single submitter. Criteria: ACMG Guidelines, 2015. Collection method: clinical testing. Allele origin: germline. Affected: yes.

Literature cited by the submitters: PubMed 7449874 (cited by Labcorp Genetics (formerly Invitae), Labcorp); PubMed 31159747 (cited by 4 submitters); PubMed 33925588 (cited by 6 submitters); PubMed 35245693 (cited by 3 submitters); PubMed 38061684 (cited by Labcorp Genetics (formerly Invitae), Labcorp and Color Diagnostics, LLC DBA Color Health); PubMed 38075165 (cited by Labcorp Genetics (formerly Invitae), Labcorp and Color Diagnostics, LLC DBA Color Health); PubMed 30851065 (cited by 4 submitters); PubMed 37449874 (cited by 3 submitters); PubMed 31206626 (cited by 4 submitters); PubMed 33471991 (cited by 3 submitters); PubMed 25318351 (cited by 3 submitters).